The following is an entry in ClinVar:

NM_001267550.2(TTN):c.89520C>T (p.Asp29840=)

Genes: TTN (titin; minus strand), TTN-AS1 (TTN antisense RNA 1; plus strand). Cytogenetic location: 2q31.2.
Variant type: single nucleotide variant.
Coding change: c.89520C>T on transcript NM_001267550.2 (MANE Select); coding-DNA position 89520, C replaced by T.
Protein change: p.Asp29840=; no amino-acid change (aspartic acid 29840 retained).
Molecular consequence: synonymous variant.
Genome position (GRCh38, 1-based): chr2:178,553,380, G>A on the plus strand (C>T on the coding strand, the complement: TTN is on the minus strand). VCF-style: chr2-178553380-G-A. GRCh37 (hg19) VCF-style: chr2-179418107-G-A.
Other names: c.84597C>T, p.Asp28199= (NM_001256850.1); c.62325C>T, p.Asp20775= (NM_003319.4); c.81816C>T, p.Asp27272= (NM_133378.4); c.62700C>T, p.Asp20900= (NM_133432.3); c.62901C>T, p.Asp20967= (NM_133437.4).
Identifiers: ClinVar variation 284558 (VCV000284558.25), dbSNP rs746569192, ClinGen allele CA1987897.

ClinVar aggregate classification (germline): Conflicting classifications of pathogenicity. Review status: criteria provided, conflicting classifications (1 of 4 stars). 13 submissions from 9 submitters: Uncertain significance (4); Benign (1); Likely benign (6). 2 of the submissions do not count toward it. Last evaluated 2026-05-18.

Conditions:
Early-onset myopathy with fatal cardiomyopathy (CMYO5). Also called: Salih Myopathy; CONGENITAL MYOPATHY 5 WITH CARDIOMYOPATHY. Identifiers: Orphanet 289377, MedGen C2673677, MONDO:0012714, OMIM 611705. Disease mechanism: loss of function.
Myopathy, myofibrillar, 9, with early respiratory failure (MFM9). Also called: Hereditary myopathy with early respiratory failure; MYOPATHY, PROXIMAL, WITH EARLY RESPIRATORY MUSCLE INVOLVEMENT; EDSTROM MYOPATHY; Myopathy, distal, with early respiratory failure, autosomal dominant. Identifiers: Orphanet 178464, Orphanet 34521, MedGen C1863599, MONDO:0011362, OMIM 603689.
Cardiovascular phenotype. Identifiers: MedGen CN230736.
Dilated cardiomyopathy 1G (CMD1G). Identifiers: Orphanet 154, MedGen C1858763, MONDO:0011400, OMIM 604145.
Autosomal recessive limb-girdle muscular dystrophy type 2J (LGMDR10). Also called: Limb-girdle muscular dystrophy, type 2J; MUSCULAR DYSTROPHY, LIMB-GIRDLE, AUTOSOMAL RECESSIVE 10. Identifiers: Orphanet 140922, MedGen C1837342, MONDO:0012127, OMIM 608807.
TTN-related disorder. Also called: TTN-related condition; TTN-related disease; TTN-related disorders.
Tibial muscular dystrophy (TMD). Also called: UDD MYOPATHY; Tibial muscular dystrophy, tardive; Udd Distal Myopathy – Tibial Muscular Dystrophy. Identifiers: Orphanet 609, MedGen C1838244, MONDO:0010870, OMIM 600334.

Allele frequency attached by ClinVar (database versions not stated): TOPMed 0.00003; ExAC 0.00005; gnomAD 0.00005 and 0.00006; gnomAD exomes 0.00005 and 0.00011.
gnomAD v4.1: 160 of 1,594,824 alleles (0.01%); highest among the groups gnomAD compares: Non-Finnish European, 0.011%; no homozygotes.

Submissions (13):

Women's Health and Genetics/Laboratory Corporation of America, LabCorp
Classification: Likely benign. Last evaluated: 2026-05-18. Review status: criteria provided, single submitter. Criteria: LabCorp Variant Classification Summary - May 2015. Collection method: clinical testing. Allele origin: germline.

Labcorp Genetics (formerly Invitae), Labcorp
Classification: Likely benign for Dilated cardiomyopathy 1G; Autosomal recessive limb-girdle muscular dystrophy type 2J. Last evaluated: 2026-02-01. Review status: criteria provided, single submitter. Criteria: Invitae Variant Classification Sherloc (09022015). Collection method: clinical testing. Allele origin: germline.

PreventionGenetics, part of Exact Sciences
Classification: Likely benign for TTN-related condition. Last evaluated: 2025-08-12. Review status: criteria provided, single submitter. Criteria: ACMG Guidelines, 2015. Collection method: clinical testing. Allele origin: germline.
Comment: This variant is classified as likely benign based on ACMG/AMP sequence variant interpretation guidelines (Richards et al. 2015 PMID: 25741868, with internal and published modifications).

Blueprint Genetics
Classification: Likely benign. Last evaluated: 2024-06-19. Review status: criteria provided, single submitter. Criteria: ACMG Guidelines, 2015. Collection method: clinical testing. Allele origin: germline.

Ambry Genetics
Classification: Likely benign for Cardiovascular phenotype. Last evaluated: 2020-12-01. Review status: criteria provided, single submitter. Criteria: Ambry Variant Classification Scheme 2023. Collection method: clinical testing. Allele origin: germline.

Illumina Laboratory Services, Illumina
Classification: Uncertain significance for Dilated cardiomyopathy 1G. Last evaluated: 2018-01-12. Review status: criteria provided, single submitter. Criteria: ICSL Variant Classification Criteria 13 December 2019. Collection method: clinical testing. Allele origin: germline.

Illumina Laboratory Services, Illumina
Classification: Likely benign for Myopathy, myofibrillar, 9, with early respiratory failure. Last evaluated: 2018-01-12. Review status: criteria provided, single submitter. Criteria: ICSL Variant Classification Criteria 13 December 2019. Collection method: clinical testing. Allele origin: germline.
Comment: This variant was observed in the ICSL laboratory as part of a predisposition screen in an ostensibly healthy population. It had not been previously curated by ICSL or reported in the Human Gene Mutation Database (HGMD: prior to June 1st, 2018), and was therefore a candidate for classification through an automated scoring system. Utilizing variant allele frequency, disease prevalence and penetrance estimates, and inheritance mode, an automated score was calculated to assess if this variant is too frequent to cause the disease. Based on the score and internal cut-off values, a variant classified as likely benign is not then subjected to further curation. The score for this variant resulted in a classification of likely benign for this disease.

Illumina Laboratory Services, Illumina
Classification: Uncertain significance for Autosomal recessive limb-girdle muscular dystrophy type 2J. Last evaluated: 2018-01-12. Review status: criteria provided, single submitter. Criteria: ICSL Variant Classification Criteria 13 December 2019. Collection method: clinical testing. Allele origin: germline.

Illumina Laboratory Services, Illumina
Classification: Uncertain significance for Early-onset myopathy with fatal cardiomyopathy. Last evaluated: 2018-01-12. Review status: criteria provided, single submitter. Criteria: ICSL Variant Classification Criteria 13 December 2019. Collection method: clinical testing. Allele origin: germline.

Illumina Laboratory Services, Illumina
Classification: Benign for Tibial muscular dystrophy. Last evaluated: 2018-01-12. Review status: criteria provided, single submitter. Criteria: ICSL Variant Classification Criteria 13 December 2019. Collection method: clinical testing. Allele origin: germline.
Comment: This variant was observed in the ICSL laboratory as part of a predisposition screen in an ostensibly healthy population. It had not been previously curated by ICSL or reported in the Human Gene Mutation Database (HGMD: prior to June 1st, 2018), and was therefore a candidate for classification through an automated scoring system. Utilizing variant allele frequency, disease prevalence and penetrance estimates, and inheritance mode, an automated score was calculated to assess if this variant is too frequent to cause the disease. Based on the score and internal cut-off values, a variant classified as benign is not then subjected to further curation. The score for this variant resulted in a classification of benign for this disease.

Eurofins Ntd Llc (ga)
Classification: Uncertain significance. Last evaluated: 2016-09-27. Review status: criteria provided, single submitter. Criteria: EGL Classification Definitions 2015. Collection method: clinical testing. Allele origin: germline. Observed: 3 variant alleles, 3 heterozygotes.

Clinical Genetics DNA and cytogenetics Diagnostics Lab, Erasmus MC, Erasmus Medical Center
Classification: Likely benign. Review status: no assertion criteria provided. Collection method: clinical testing. Allele origin: germline. Affected: yes. Study: VKGL Data-share Consensus. Not counted in ClinVar's aggregate classification.

Genome Diagnostics Laboratory, University Medical Center Utrecht
Classification: Likely benign. Review status: no assertion criteria provided. Collection method: clinical testing. Allele origin: germline. Affected: yes. Study: VKGL Data-share Consensus. Not counted in ClinVar's aggregate classification.